The following is an entry in ClinVar:

NM_001197104.2(KMT2A):c.7307G>A (p.Cys2436Tyr)

Gene: KMT2A (lysine methyltransferase 2A; plus strand). Cytogenetic location: 11q23.3.
Variant type: single nucleotide variant.
Coding change: c.7307G>A on transcript NM_001197104.2 (MANE Select); coding-DNA position 7307, G replaced by A.
Protein change: p.Cys2436Tyr; replaces cysteine 2436 with tyrosine.
Molecular consequence: missense variant.
Genome position (GRCh38, 1-based): chr11:118,503,199, G>A. VCF-style: chr11-118503199-G-A. GRCh37 (hg19) VCF-style: chr11-118373914-G-A.
Other names: c.7298G>A, p.Cys2433Tyr (NM_005933.4); c.7307G>A (NM_001197104.1); short protein forms C2433Y, C2436Y.
Identifiers: ClinVar variation 1369310 (VCV001369310.7), dbSNP rs145028869, ClinGen allele CA6304385.

ClinVar aggregate classification (germline): Conflicting classifications of pathogenicity. Review status: criteria provided, conflicting classifications (1 of 4 stars). 2 submissions from 2 submitters: Uncertain significance (1); Likely benign (1). Last evaluated 2025-12-15.

Conditions:
Inborn genetic diseases. Identifiers: MedGen C0950123, MeSH D030342.

Allele frequency attached by ClinVar (database versions not stated): ExAC 0.00002; gnomAD exomes 0.00003 and 0.00010; gnomAD 0.00005 and 0.00006; TOPMed 0.00006; ESP Exome Variant Server 0.00015.

Submissions (2):

Labcorp Genetics (formerly Invitae), Labcorp
Classification: Uncertain significance. Last evaluated: 2025-12-15. Review status: criteria provided, single submitter. Criteria: Invitae Variant Classification Sherloc (09022015). Collection method: clinical testing. Allele origin: germline.
Comment: This sequence change replaces cysteine, which is neutral and slightly polar, with tyrosine, which is neutral and polar, at codon 2436 of the KMT2A protein (p.Cys2436Tyr). This variant is present in population databases (rs145028869, gnomAD 0.006%). This variant has not been reported in the literature in individuals affected with KMT2A-related conditions. ClinVar contains an entry for this variant (Variation ID: 1369310). Invitae Evidence Modeling of protein sequence and biophysical properties (such as structural, functional, and spatial information, amino acid conservation, physicochemical variation, residue mobility, and thermodynamic stability) indicates that this missense variant is not expected to disrupt KMT2A protein function with a negative predictive value of 95%. In summary, the available evidence is currently insufficient to determine the role of this variant in disease. Therefore, it has been classified as a Variant of Uncertain Significance.

Ambry Genetics
Classification: Likely benign for Inborn genetic diseases. Last evaluated: 2024-10-09. Review status: criteria provided, single submitter. Criteria: Ambry Variant Classification Scheme 2023. Collection method: clinical testing. Allele origin: germline.